The following is an entry in ClinVar:

NM_025207.5(FLAD1):c.1033C>T (p.Arg345Cys)

Gene: FLAD1 (flavin adenine dinucleotide synthetase 1; plus strand). Cytogenetic location: 1q21.3.
Variant type: single nucleotide variant.
Coding change: c.1033C>T on transcript NM_025207.5 (MANE Select); coding-DNA position 1033, C replaced by T.
Protein change: p.Arg345Cys; replaces arginine 345 with cysteine.
Molecular consequence: missense variant.
Genome position (GRCh38, 1-based): chr1:154,988,765, C>T. VCF-style: chr1-154988765-C-T. GRCh37 (hg19) VCF-style: chr1-154961241-C-T.
Other names: p.Arg345Cys; c.1033C>T (NM_025207.4); c.742C>T, p.Arg248Cys (NM_001184891.2, NM_201398.3); c.736C>T, p.Arg246Cys (NM_001184892.2); short protein forms R246C, R248C, R345C.
Identifiers: ClinVar variation 1408144 (VCV001408144.9), dbSNP rs61740252, ClinGen allele CA1134454.

ClinVar aggregate classification (germline): Conflicting classifications of pathogenicity. Review status: criteria provided, conflicting classifications (1 of 4 stars). 6 submissions from 6 submitters: Uncertain significance (5); Likely benign (1). Last evaluated 2026-01-19.

Conditions:
Inborn genetic diseases. Identifiers: MedGen C0950123, MeSH D030342.

Allele frequency attached by ClinVar (database versions not stated): 1000 Genomes Project 30x 0.00016; 1000 Genomes Project 0.00020; ESP Exome Variant Server 0.00023; ExAC 0.00027; gnomAD exomes 0.00027 and 0.00028; gnomAD 0.00042 and 0.00044; TOPMed 0.00048.
gnomAD v4.1: 481 of 1,614,150 alleles (0.03%); highest among the groups gnomAD compares: African/African-American, 0.095%; no homozygotes.

Submissions (6):

Labcorp Genetics (formerly Invitae), Labcorp
Classification: Uncertain significance. Last evaluated: 2026-01-19. Review status: criteria provided, single submitter. Criteria: Invitae Variant Classification Sherloc (09022015). Collection method: clinical testing. Allele origin: germline.
Comment: This sequence change replaces arginine, which is basic and polar, with cysteine, which is neutral and slightly polar, at codon 345 of the FLAD1 protein (p.Arg345Cys). This variant is present in population databases (rs61740252, gnomAD 0.07%). This variant has not been reported in the literature in individuals affected with FLAD1-related conditions. ClinVar contains an entry for this variant (Variation ID: 1408144). An algorithm developed to predict the effect of missense changes on protein structure and function (PolyPhen-2) suggests that this variant is likely to be disruptive. In summary, the available evidence is currently insufficient to determine the role of this variant in disease. Therefore, it has been classified as a Variant of Uncertain Significance.

Mayo Clinic Laboratories, Mayo Clinic
Classification: Uncertain significance. Last evaluated: 2025-09-30. Review status: criteria provided, single submitter. Criteria: ACMG Guidelines, 2015. Collection method: clinical testing. Allele origin: germline. Observed: 1 variant allele.
Comment: BP4_moderate

GeneDx
Classification: Uncertain significance. Last evaluated: 2025-06-11. Review status: criteria provided, single submitter. Criteria: GeneDx Variant Classification Process June 2021. Collection method: clinical testing. Allele origin: germline.
Comment: Has not been previously published as pathogenic or benign to our knowledge; In silico analysis supports that this missense variant has a deleterious effect on protein structure/function

Blueprint Genetics
Classification: Likely benign. Last evaluated: 2024-11-19. Review status: criteria provided, single submitter. Criteria: ACMG Guidelines, 2015. Collection method: clinical testing. Allele origin: germline.

Women's Health and Genetics/Laboratory Corporation of America, LabCorp
Classification: Uncertain significance. Last evaluated: 2024-05-02. Review status: criteria provided, single submitter. Criteria: LabCorp Variant Classification Summary - May 2015. Collection method: clinical testing. Allele origin: germline.
Comment: Variant summary: FLAD1 c.1033C>T (p.Arg345Cys) results in a non-conservative amino acid change in the encoded protein sequence. Four of five in-silico tools predict a benign effect of the variant on protein function. The variant allele was found at a frequency of 0.00027 in 251362 control chromosomes. To our knowledge, no occurrence of c.1033C>T in individuals affected with Myopathy With Abnormal Lipid Metabolism and no experimental evidence demonstrating its impact on protein function have been reported. ClinVar contains an entry for this variant (Variation ID: 1408144). Based on the evidence outlined above, the variant was classified as uncertain significance.

Ambry Genetics
Classification: Uncertain significance for Inborn genetic diseases. Last evaluated: 2021-07-21. Review status: criteria provided, single submitter. Criteria: Ambry Variant Classification Scheme 2023. Collection method: clinical testing. Allele origin: germline.